The following is an entry in ClinVar:

NM_002692.4(POLE2):c.506A>T (p.Glu169Val)

Gene: POLE2 (DNA polymerase epsilon 2, accessory subunit; minus strand). Cytogenetic location: 14q21.3.
Variant type: single nucleotide variant.
Coding change: c.506A>T on transcript NM_002692.4 (MANE Select); coding-DNA position 506, A replaced by T.
Protein change: p.Glu169Val; replaces glutamic acid 169 with valine.
Molecular consequence: missense variant.
Genome position (GRCh38, 1-based): chr14:49,666,400, T>A on the plus strand (A>T on the coding strand, the complement: POLE2 is on the minus strand). VCF-style: chr14-49666400-T-A. GRCh37 (hg19) VCF-style: chr14-50133118-T-A.
Other names: c.428A>T, p.Glu143Val (NM_001197330.2); c.506A>T, p.Glu169Val (NM_001197331.3, NM_001348384.2); c.275A>T, p.Glu92Val (NM_001348385.2); c.506A>T (NM_002692.3); short protein forms E92V, E143V, E169V.
Identifiers: ClinVar variation 2069908 (VCV002069908.5), dbSNP rs150596542, ClinGen allele CA7173586.

ClinVar aggregate classification (germline): Uncertain significance. Review status: criteria provided, multiple submitters, no conflicts (2 of 4 stars). 2 submissions from 2 submitters: Uncertain significance (2). Last evaluated 2025-09-10.

Allele frequency attached by ClinVar (database versions not stated): 1000 Genomes Project 30x 0.00031; 1000 Genomes Project 0.00040.
gnomAD v4.1: 38 of 1,451,432 alleles (0.0026%); highest among the groups gnomAD compares: Admixed American, 0.035%; no homozygotes.

Submissions (2):

Ambry Genetics
Classification: Uncertain significance. Last evaluated: 2025-09-10. Review status: criteria provided, single submitter. Criteria: Ambry Variant Classification Scheme 2023. Collection method: clinical testing. Allele origin: germline.

Labcorp Genetics (formerly Invitae), Labcorp
Classification: Uncertain significance. Last evaluated: 2022-09-22. Review status: criteria provided, single submitter. Criteria: Invitae Variant Classification Sherloc (09022015). Collection method: clinical testing. Allele origin: germline.
Comment: This sequence change replaces glutamic acid, which is acidic and polar, with valine, which is neutral and non-polar, at codon 169 of the POLE2 protein (p.Glu169Val). This variant is present in population databases (rs150596542, gnomAD 0.02%). This variant has not been reported in the literature in individuals affected with POLE2-related conditions. Algorithms developed to predict the effect of missense changes on protein structure and function are either unavailable or do not agree on the potential impact of this missense change (SIFT: "Deleterious"; PolyPhen-2: "Probably Damaging"; Align-GVGD: "Class C15"). In summary, the available evidence is currently insufficient to determine the role of this variant in disease. Therefore, it has been classified as a Variant of Uncertain Significance.